The following is an entry in ClinVar:

ClinVar aggregate classification (germline): Benign. Review status: criteria provided, multiple submitters, no conflicts (2 of 4 stars). 3 submissions from 3 submitters: Benign (2). 1 of the submissions does not count toward it. Last evaluated 2018-03-29.

Conditions:
APBA2-related disorder. Also called: APBA2-related condition.

Allele frequency attached by ClinVar (database versions not stated): gnomAD exomes 0.00077; gnomAD 0.00306 and 0.00316; TOPMed 0.00341; 1000 Genomes Project 30x 0.00390; ESP Exome Variant Server 0.00415; 1000 Genomes Project 0.00419.
gnomAD v4.1: 991 of 1,613,596 alleles (0.061%); highest among the groups gnomAD compares: African/African-American, 1.1%; 6 homozygotes.

Submissions (3):

Labcorp Genetics (formerly Invitae), Labcorp
Classification: Benign. Last evaluated: 2018-03-29. Review status: criteria provided, single submitter. Criteria: Invitae Variant Classification Sherloc (09022015). Collection method: clinical testing. Allele origin: germline.

Breakthrough Genomics
Classification: Benign. Review status: criteria provided, single submitter. Criteria: ACMG Guidelines, 2015. Collection method: not provided. Allele origin: germline. Inheritance: Unknown mechanism. Affected: yes.

PreventionGenetics, part of Exact Sciences
Classification: Benign for APBA2-related condition. Last evaluated: 2019-10-28. Review status: no assertion criteria provided. Collection method: clinical testing. Allele origin: germline. Not counted in ClinVar's aggregate classification.
Comment: This variant is classified as benign based on ACMG/AMP sequence variant interpretation guidelines (Richards et al. 2015 PMID: 25741868, with internal and published modifications).

NM_001353788.2(APBA2):c.618C>T (p.Gly206=)

Gene: APBA2 (amyloid beta precursor protein binding family A member 2; plus strand). Cytogenetic location: 15q13.1.
Variant type: single nucleotide variant.
Coding change: c.618C>T on transcript NM_001353788.2 (MANE Select); coding-DNA position 618, C replaced by T.
Protein change: p.Gly206=; no amino-acid change (glycine 206 retained).
Molecular consequence: synonymous variant.
Genome position (GRCh38, 1-based): chr15:29,054,502, C>T. VCF-style: chr15-29054502-C-T. GRCh37 (hg19) VCF-style: chr15-29346705-C-T.
Other names: c.618C>T, p.Gly206= (NM_001130414.1, NM_001353789.2, NM_001353790.2 and 6 more transcripts).
Identifiers: ClinVar variation 735379 (VCV000735379.6), dbSNP rs111870710, ClinGen allele CA7445148.